The following is an entry in ClinVar:

ClinVar aggregate classification (germline): Uncertain significance. Review status: criteria provided, multiple submitters, no conflicts (2 of 4 stars). 4 submissions from 4 submitters: Uncertain significance (4). Last evaluated 2025-05-19.

Conditions:
Mandibular hypoplasia-deafness-progeroid syndrome. Also called: Mandibular hypoplasia, deafness, progeroid features, and lipodystrophy syndrome. Identifiers: Orphanet 363649, MedGen C3715192, MONDO:0014157, OMIM 615381.
Immunodeficiency 120. Identifiers: MedGen C5935622, MONDO:0970994, OMIM 620836.
POLD1-related polyposis and colorectal cancer syndrome (CRCS10). Also called: Colorectal cancer 10; COLORECTAL CANCER, SUSCEPTIBILITY TO, ON CHROMOSOME 19q; Colorectal cancer, susceptibility to, 10. Identifiers: Orphanet 220460, MedGen C2675481, MONDO:0012953, OMIM 612591.
Hereditary cancer-predisposing syndrome. Also called: Neoplastic Syndromes, Hereditary; Hereditary neoplastic syndrome; Tumor predisposition; Hereditary Cancer Syndrome. Identifiers: Orphanet 140162, MedGen C0027672, MeSH D009386, MONDO:0015356.

Allele frequency attached by ClinVar (database versions not stated): gnomAD exomes below 0.00001; ExAC 0.00001.
gnomAD v4.1: 2 of 1,606,262 alleles (0.00012%); highest among the groups gnomAD compares: Non-Finnish European, 0.00017%; no homozygotes.

Submissions (4):

Labcorp Genetics (formerly Invitae), Labcorp
Classification: Uncertain significance for POLD1-related polyposis and colorectal cancer syndrome. Last evaluated: 2025-05-19. Review status: criteria provided, single submitter. Criteria: Invitae Variant Classification Sherloc (09022015). Collection method: clinical testing. Allele origin: germline.
Comment: This sequence change replaces glutamine, which is neutral and polar, with arginine, which is basic and polar, at codon 1057 of the POLD1 protein (p.Gln1057Arg). This variant is present in population databases (rs768747132, gnomAD 0.0009%). This variant has not been reported in the literature in individuals affected with POLD1-related conditions. ClinVar contains an entry for this variant (Variation ID: 469327). Invitae Evidence Modeling of protein sequence and biophysical properties (such as structural, functional, and spatial information, amino acid conservation, physicochemical variation, residue mobility, and thermodynamic stability) indicates that this missense variant is expected to disrupt POLD1 protein function with a positive predictive value of 80%. In summary, the available evidence is currently insufficient to determine the role of this variant in disease. Therefore, it has been classified as a Variant of Uncertain Significance.

Ambry Genetics
Classification: Uncertain significance for Hereditary cancer-predisposing syndrome. Last evaluated: 2024-06-23. Review status: criteria provided, single submitter. Criteria: Ambry Variant Classification Scheme 2023. Collection method: clinical testing. Allele origin: germline.
Comment: The p.Q1057R variant (also known as c.3170A>G), located in coding exon 25 of the POLD1 gene, results from an A to G substitution at nucleotide position 3170. The glutamine at codon 1057 is replaced by arginine, an amino acid with highly similar properties. This amino acid position is conserved. In addition, this alteration is predicted to be tolerated by in silico analysis. Since supporting evidence is limited at this time, the clinical significance of this alteration remains unclear.

Fulgent Genetics
Classification: Uncertain significance for POLD1-related polyposis and colorectal cancer syndrome; Mandibular hypoplasia-deafness-progeroid syndrome; Immunodeficiency 120. Last evaluated: 2024-05-20. Review status: criteria provided, single submitter. Criteria: ACMG Guidelines, 2015. Collection method: clinical testing. Allele origin: germline.

GeneDx
Classification: Uncertain significance. Last evaluated: 2020-02-25. Review status: criteria provided, single submitter. Criteria: GeneDx Variant Classification Process June 2021. Collection method: clinical testing. Allele origin: germline. Affected: yes.
Comment: Not observed at a significant frequency in large population cohorts (Lek et al., 2016); In silico analysis supports that this missense variant has a deleterious effect on protein structure/function; Has not been previously published as pathogenic or benign to our knowledge

NM_002691.4(POLD1):c.3170A>G (p.Gln1057Arg)

Gene: POLD1 (DNA polymerase delta 1, catalytic subunit; plus strand). Cytogenetic location: 19q13.33.
Variant type: single nucleotide variant.
Coding change: c.3170A>G on transcript NM_002691.4 (MANE Select); coding-DNA position 3170, A replaced by G.
Protein change: p.Gln1057Arg; replaces glutamine 1057 with arginine.
Molecular consequence: missense variant. On other transcripts: non-coding transcript variant (1).
Genome position (GRCh38, 1-based): chr19:50,417,221, A>G. VCF-style: chr19-50417221-A-G. GRCh37 (hg19) VCF-style: chr19-50920478-A-G.
Other names: c.3170A>G, p.Gln1057Arg (NM_001256849.1); c.3248A>G, p.Gln1083Arg (NM_001308632.1); short protein forms Q1057R, Q1083R.
Identifiers: ClinVar variation 469327 (VCV000469327.13), dbSNP rs768747132, ClinGen allele CA9596781.